The following is an entry in ClinVar:

ClinVar aggregate classification (germline): Uncertain significance. Review status: criteria provided, multiple submitters, no conflicts (2 of 4 stars). 2 submissions from 2 submitters: Uncertain significance (2). Last evaluated 2026-01-07.

Conditions:
Epidermolysis bullosa simplex with nail dystrophy (EBS5D). Identifiers: MedGen C4225309, MONDO:0014661, OMIM 616487.
Epidermolysis bullosa simplex, Ogna type (EBS5A). Also called: Pidermolysis bullosa simplex 5A, Ogna type; EPIDERMOLYSIS BULLOSA SIMPLEX 5A, OGNA TYPE. Identifiers: Orphanet 79401, MedGen C0432317, MONDO:0007555, OMIM 131950.
Autosomal recessive limb-girdle muscular dystrophy type 2Q (LGMDR17). Also called: MUSCULAR DYSTROPHY, LIMB-GIRDLE, AUTOSOMAL RECESSIVE 17. Identifiers: Orphanet 254361, MedGen C3150989, MONDO:0013390, OMIM 613723.
Epidermolysis bullosa simplex 5C, with pyloric atresia (EBS5C). Also called: PLEC-Related Epidermolysis Bullosa with Pyloric Atresia; Epidermolysis bullosa simplex with pyloric atresia; PLEC1-Related Epidermolysis Bullosa with Pyloric Atresia. Identifiers: Orphanet 158684, MedGen C2677349, MONDO:0012807, OMIM 612138.
Epidermolysis bullosa simplex 5B, with muscular dystrophy (EBS5B). Also called: EPIDERMOLYSIS BULLOSA SIMPLEX AND LIMB-GIRDLE MUSCULAR DYSTROPHY; Epidermolysis bullosa simplex with muscular dystrophy. Identifiers: Orphanet 257, MedGen C2931072, MONDO:0009181, OMIM 226670.
Inborn genetic diseases. Identifiers: MedGen C0950123, MeSH D030342.

Allele frequency attached by ClinVar (database versions not stated): gnomAD 0.00001; gnomAD exomes 0.00001; TOPMed 0.00001; ExAC 0.00002; ESP Exome Variant Server 0.00008.
gnomAD v4.1: 8 of 1,608,180 alleles (0.0005%); highest among the groups gnomAD compares: Admixed American, 0.0067%; no homozygotes.

Submissions (2):

Labcorp Genetics (formerly Invitae), Labcorp
Classification: Uncertain significance for Autosomal recessive limb-girdle muscular dystrophy type 2Q; Epidermolysis bullosa simplex, Ogna type; Epidermolysis bullosa simplex with nail dystrophy; Epidermolysis bullosa simplex 5C, with pyloric atresia; Epidermolysis bullosa simplex 5B, with muscular dystrophy. Last evaluated: 2026-01-07. Review status: criteria provided, single submitter. Criteria: Invitae Variant Classification Sherloc (09022015). Collection method: clinical testing. Allele origin: germline.
Comment: This sequence change replaces threonine, which is neutral and polar, with serine, which is neutral and polar, at codon 613 of the PLEC protein (p.Thr613Ser). This variant is present in population databases (rs374313865, gnomAD 0.003%). This variant has not been reported in the literature in individuals affected with PLEC-related conditions. ClinVar contains an entry for this variant (Variation ID: 471548). An algorithm developed to predict the effect of missense changes on protein structure and function outputs the following: PolyPhen-2: "Not Available". The serine amino acid residue is found in multiple mammalian species, which suggests that this missense change does not adversely affect protein function. In summary, the available evidence is currently insufficient to determine the role of this variant in disease. Therefore, it has been classified as a Variant of Uncertain Significance.

Ambry Genetics
Classification: Uncertain significance for Inborn genetic diseases. Last evaluated: 2025-05-05. Review status: criteria provided, single submitter. Criteria: Ambry Variant Classification Scheme 2023. Collection method: clinical testing. Allele origin: germline.

NM_201384.3(PLEC):c.1757C>G (p.Thr586Ser)

Gene: PLEC (plectin; minus strand). Cytogenetic location: 8q24.3.
Variant type: single nucleotide variant.
Coding change: c.1757C>G on transcript NM_201384.3 (MANE Select); coding-DNA position 1757, C replaced by G.
Protein change: p.Thr586Ser; replaces threonine 586 with serine.
Molecular consequence: missense variant.
Genome position (GRCh38, 1-based): chr8:143,932,693, G>C on the plus strand (C>G on the coding strand, the complement: PLEC is on the minus strand). VCF-style: chr8-143932693-G-C. GRCh37 (hg19) VCF-style: chr8-145006861-G-C.
Other names: c.1838C>G, p.Thr613Ser (NM_000445.5); c.1715C>G, p.Thr572Ser (NM_201378.4); c.1691C>G, p.Thr564Ser (NM_201379.3); c.2168C>G, p.Thr723Ser (NM_201380.4); c.1661C>G, p.Thr554Ser (NM_201381.3); c.1757C>G, p.Thr586Ser (NM_201382.4); c.1769C>G, p.Thr590Ser (NM_201383.3); c.1838C>G (NM_000445.3); short protein forms T564S, T572S, T613S, T590S, T586S, T723S, T554S.
Identifiers: ClinVar variation 471548 (VCV000471548.7), dbSNP rs374313865, ClinGen allele CA4927864.